The following is an entry in ClinVar:

NM_001918.5(DBT):c.*2810A>G

Gene: DBT (dihydrolipoamide branched chain transacylase E2; minus strand). Cytogenetic location: 1p21.2.
Variant type: single nucleotide variant.
Coding change: c.*2810A>G on transcript NM_001918.5 (MANE Select); 2810 bases downstream of the stop codon, A replaced by G.
Molecular consequence: 3 prime UTR variant.
Genome position (GRCh38, 1-based): chr1:100,193,445, T>C on the plus strand (A>G on the coding strand, the complement: DBT is on the minus strand). VCF-style: chr1-100193445-T-C. GRCh37 (hg19) VCF-style: chr1-100659001-T-C.
Identifiers: ClinVar variation 875317 (VCV000875317.4), dbSNP rs116578353, ClinGen allele CA27597974.

ClinVar aggregate classification (germline): Benign (1 of 4 stars; one submission).

Conditions:
Maple syrup urine disease (MSUD). Identifiers: Orphanet 511, MedGen C0024776, MeSH D008375, MONDO:0009563. Disease mechanism: loss of function.

Allele frequency attached by ClinVar (database versions not stated): gnomAD 0.00322 and 0.00337; TOPMed 0.00346; 1000 Genomes Project 0.00439; 1000 Genomes Project 30x 0.00515.

Submission:

Illumina Laboratory Services, Illumina
Classification: Benign for Maple syrup urine disease type 1A. Last evaluated: 2018-01-12. Review status: criteria provided, single submitter. Criteria: ICSL Variant Classification Criteria 13 December 2019. Collection method: clinical testing. Allele origin: germline.
Comment: This variant was observed in the ICSL laboratory as part of a predisposition screen in an ostensibly healthy population. It had not been previously curated by ICSL or reported in the Human Gene Mutation Database (HGMD: prior to June 1st, 2018), and was therefore a candidate for classification through an automated scoring system. Utilizing variant allele frequency, disease prevalence and penetrance estimates, and inheritance mode, an automated score was calculated to assess if this variant is too frequent to cause the disease. Based on the score and internal cut-off values, a variant classified as benign is not then subjected to further curation. The score for this variant resulted in a classification of benign for this disease.